The following is an entry in ClinVar:

ClinVar aggregate classification (germline): Uncertain significance (1 of 4 stars; one submission).

Conditions:
Rubinstein-Taybi syndrome due to EP300 haploinsufficiency. Also called: EP300-Related Rubinstein-Taybi Syndrome; RUBINSTEIN-TAYBI SYNDROME 2. Identifiers: Orphanet 353284, Orphanet 783, MedGen C3150941, MONDO:0013364, OMIM 613684.

gnomAD v4.1: 1 of 1,610,164 alleles (0.000062%); highest among the groups gnomAD compares: Non-Finnish European, 0.000085%; no homozygotes.

Submission:

Labcorp Genetics (formerly Invitae), Labcorp
Classification: Uncertain significance for Rubinstein-Taybi syndrome due to EP300 haploinsufficiency. Last evaluated: 2025-08-03. Review status: criteria provided, single submitter. Criteria: Invitae Variant Classification Sherloc (09022015). Collection method: clinical testing. Allele origin: germline.
Comment: This sequence change replaces histidine, which is basic and polar, with tyrosine, which is neutral and polar, at codon 2414 of the EP300 protein (p.His2414Tyr). This variant is not present in population databases (gnomAD no frequency). This variant has not been reported in the literature in individuals affected with EP300-related conditions. Invitae Evidence Modeling of protein sequence and biophysical properties (such as structural, functional, and spatial information, amino acid conservation, physicochemical variation, residue mobility, and thermodynamic stability) indicates that this missense variant is not expected to disrupt EP300 protein function with a negative predictive value of 95%. In summary, the available evidence is currently insufficient to determine the role of this variant in disease. Therefore, it has been classified as a Variant of Uncertain Significance.

NM_001429.4(EP300):c.7240C>T (p.His2414Tyr)

Gene: EP300 (EP300 lysine acetyltransferase; plus strand). Cytogenetic location: 22q13.2.
Variant type: single nucleotide variant.
Coding change: c.7240C>T on transcript NM_001429.4 (MANE Select); coding-DNA position 7240, C replaced by T.
Protein change: p.His2414Tyr; replaces histidine 2414 with tyrosine.
Molecular consequence: missense variant.
Genome position (GRCh38, 1-based): chr22:41,178,951, C>T. VCF-style: chr22-41178951-C-T. GRCh37 (hg19) VCF-style: chr22-41574955-C-T.
Other names: c.7162C>T, p.His2388Tyr (NM_001362843.2); short protein forms H2414Y, H2388Y.
Identifiers: ClinVar variation 4767428 (VCV004767428.1).